The following is an entry in ClinVar:

NM_001029883.3(PCARE):c.3672C>A (p.Ser1224Arg)

Gene: PCARE (photoreceptor cilium actin regulator; minus strand). Cytogenetic location: 2p23.2.
Variant type: single nucleotide variant.
Coding change: c.3672C>A on transcript NM_001029883.3 (MANE Select); coding-DNA position 3672, C replaced by A.
Protein change: p.Ser1224Arg; replaces serine 1224 with arginine.
Molecular consequence: missense variant.
Genome position (GRCh38, 1-based): chr2:29,065,064, G>T on the plus strand (C>A on the coding strand, the complement: PCARE is on the minus strand). VCF-style: chr2-29065064-G-T. GRCh37 (hg19) VCF-style: chr2-29287930-G-T.
Other names: short protein forms S1224R.
Identifiers: ClinVar variation 957633 (VCV000957633.9), dbSNP rs1667372231, ClinGen allele CA346471339.

ClinVar aggregate classification (germline): Uncertain significance (1 of 4 stars; one submission).

Allele frequency attached by ClinVar (database versions not stated): TOPMed 0.00001.

Submission:

Labcorp Genetics (formerly Invitae), Labcorp
Classification: Uncertain significance. Last evaluated: 2022-06-13. Review status: criteria provided, single submitter. Criteria: Invitae Variant Classification Sherloc (09022015). Collection method: clinical testing. Allele origin: germline.
Comment: In summary, the available evidence is currently insufficient to determine the role of this variant in disease. Therefore, it has been classified as a Variant of Uncertain Significance. Algorithms developed to predict the effect of missense changes on protein structure and function are either unavailable or do not agree on the potential impact of this missense change (SIFT: "Deleterious"; PolyPhen-2: "Probably Damaging"; Align-GVGD: "Class C0"). ClinVar contains an entry for this variant (Variation ID: 957633). This variant has not been reported in the literature in individuals affected with PCARE-related conditions. This variant is not present in population databases (gnomAD no frequency). This sequence change replaces serine, which is neutral and polar, with arginine, which is basic and polar, at codon 1224 of the PCARE protein (p.Ser1224Arg).